The following is an entry in ClinVar:

NM_201384.3(PLEC):c.2027A>G (p.Gln676Arg)

Gene: PLEC (plectin; minus strand). Cytogenetic location: 8q24.3.
Variant type: single nucleotide variant.
Coding change: c.2027A>G on transcript NM_201384.3 (MANE Select); coding-DNA position 2027, A replaced by G.
Protein change: p.Gln676Arg; replaces glutamine 676 with arginine.
Molecular consequence: missense variant.
Genome position (GRCh38, 1-based): chr8:143,932,185, T>C on the plus strand (A>G on the coding strand, the complement: PLEC is on the minus strand). VCF-style: chr8-143932185-T-C. GRCh37 (hg19) VCF-style: chr8-145006353-T-C.
Other names: c.2108A>G, p.Gln703Arg (NM_000445.5, NM_001410941.1); c.1985A>G, p.Gln662Arg (NM_201378.4); c.1961A>G, p.Gln654Arg (NM_201379.3); c.2438A>G, p.Gln813Arg (NM_201380.4); c.1931A>G, p.Gln644Arg (NM_201381.3); c.2027A>G, p.Gln676Arg (NM_201382.4); c.2039A>G, p.Gln680Arg (NM_201383.3); short protein forms Q644R, Q654R, Q662R, Q676R, Q680R, Q703R, Q813R.
Identifiers: ClinVar variation 3755809 (VCV003755809.2).

ClinVar aggregate classification (germline): Uncertain significance (1 of 4 stars; one submission).

Conditions:
Epidermolysis bullosa simplex with nail dystrophy (EBS5D). Identifiers: MedGen C4225309, MONDO:0014661, OMIM 616487.
Epidermolysis bullosa simplex, Ogna type (EBS5A). Also called: Pidermolysis bullosa simplex 5A, Ogna type; EPIDERMOLYSIS BULLOSA SIMPLEX 5A, OGNA TYPE. Identifiers: Orphanet 79401, MedGen C0432317, MONDO:0007555, OMIM 131950.
Autosomal recessive limb-girdle muscular dystrophy type 2Q (LGMDR17). Also called: MUSCULAR DYSTROPHY, LIMB-GIRDLE, AUTOSOMAL RECESSIVE 17. Identifiers: Orphanet 254361, MedGen C3150989, MONDO:0013390, OMIM 613723.
Epidermolysis bullosa simplex 5B, with muscular dystrophy (EBS5B). Also called: EPIDERMOLYSIS BULLOSA SIMPLEX AND LIMB-GIRDLE MUSCULAR DYSTROPHY; Epidermolysis bullosa simplex with muscular dystrophy. Identifiers: Orphanet 257, MedGen C2931072, MONDO:0009181, OMIM 226670.
Epidermolysis bullosa simplex 5C, with pyloric atresia (EBS5C). Also called: PLEC-Related Epidermolysis Bullosa with Pyloric Atresia; Epidermolysis bullosa simplex with pyloric atresia; PLEC1-Related Epidermolysis Bullosa with Pyloric Atresia. Identifiers: Orphanet 158684, MedGen C2677349, MONDO:0012807, OMIM 612138.

gnomAD v4.1: 2 of 1,612,326 alleles (0.00012%); highest among the groups gnomAD compares: Non-Finnish European, 0.00017%; no homozygotes.

Submission:

Labcorp Genetics (formerly Invitae), Labcorp
Classification: Uncertain significance for Autosomal recessive limb-girdle muscular dystrophy type 2Q; Epidermolysis bullosa simplex, Ogna type; Epidermolysis bullosa simplex with nail dystrophy; Epidermolysis bullosa simplex 5C, with pyloric atresia; Epidermolysis bullosa simplex 5B, with muscular dystrophy. Last evaluated: 2024-04-11. Review status: criteria provided, single submitter. Criteria: Invitae Variant Classification Sherloc (09022015). Collection method: clinical testing. Allele origin: germline.
Comment: This sequence change replaces glutamine, which is neutral and polar, with arginine, which is basic and polar, at codon 703 of the PLEC protein (p.Gln703Arg). The frequency data for this variant in the population databases is considered unreliable, as metrics indicate poor data quality at this position in the gnomAD database. This variant has not been reported in the literature in individuals affected with PLEC-related conditions. Advanced modeling of protein sequence and biophysical properties (such as structural, functional, and spatial information, amino acid conservation, physicochemical variation, residue mobility, and thermodynamic stability) has been performed at Invitae for this missense variant, however the output from this modeling did not meet the statistical confidence thresholds required to predict the impact of this variant on PLEC protein function. In summary, the available evidence is currently insufficient to determine the role of this variant in disease. Therefore, it has been classified as a Variant of Uncertain Significance.